The following is an entry in ClinVar:

NM_144773.4(PROKR2):c.701G>A (p.Gly234Asp)

Gene: PROKR2 (prokineticin receptor 2; minus strand). Cytogenetic location: 20p12.3.
Variant type: single nucleotide variant.
Coding change: c.701G>A on transcript NM_144773.4 (MANE Select); coding-DNA position 701, G replaced by A.
Protein change: p.Gly234Asp; replaces glycine 234 with aspartic acid.
Molecular consequence: missense variant.
Genome position (GRCh38, 1-based): chr20:5,302,494, C>T on the plus strand (G>A on the coding strand, the complement: PROKR2 is on the minus strand). VCF-style: chr20-5302494-C-T. GRCh37 (hg19) VCF-style: chr20-5283140-C-T.
Other names: short protein forms G234D.
Identifiers: ClinVar variation 4083364 (VCV004083364.2).

ClinVar aggregate classification (germline): Conflicting classifications of pathogenicity. Review status: criteria provided, conflicting classifications (1 of 4 stars). 2 submissions from 2 submitters: Likely pathogenic (1); Uncertain significance (1). Last evaluated 2025-03-12.

Conditions:
PROKR2-related disorder. Also called: PROKR2-related condition.

gnomAD v4.1: 7 of 1,614,202 alleles (0.00043%); highest among the groups gnomAD compares: Non-Finnish European, 0.00059%; no homozygotes.

Submissions (2):

GeneDx
Classification: Uncertain significance. Last evaluated: 2025-03-12. Review status: criteria provided, single submitter. Criteria: GeneDx Variant Classification Process June 2021. Collection method: clinical testing. Allele origin: germline. Affected: yes.
Comment: Published functional studies suggest a damaging effect on protein function (PMID: 24830383, 36694982); In silico analysis indicates that this missense variant does not alter protein structure/function; This variant is associated with the following publications: (PMID: 24753254, 23200691, 24830383, 29161432, 36694982, 31067328, 30519672, 24031091)

Blueprint Genetics
Classification: Likely pathogenic for PROKR2-related disorders. Last evaluated: 2023-07-13. Review status: criteria provided, single submitter. Criteria: ACMG Guidelines, 2015. Collection method: clinical testing. Allele origin: germline. Affected: yes. Observed: 2 variant alleles.